The following is an entry in ClinVar:

ClinVar aggregate classification (germline): Uncertain significance (1 of 4 stars; one submission).

Submission:

Labcorp Genetics (formerly Invitae), Labcorp
Classification: Uncertain significance. Last evaluated: 2025-06-09. Review status: criteria provided, single submitter. Criteria: Invitae Variant Classification Sherloc (09022015). Collection method: clinical testing. Allele origin: germline.
Comment: This sequence change affects codon 300 of the THBD mRNA. It is a 'silent' change, meaning that it does not change the encoded amino acid sequence of the THBD protein. This variant is not present in population databases (gnomAD no frequency). This variant has not been reported in the literature in individuals affected with THBD-related conditions. In summary, the available evidence is currently insufficient to determine the role of this variant in disease. Therefore, it has been classified as a Variant of Uncertain Significance.

NM_000361.3(THBD):c.900C>G (p.Pro300=)

Gene: THBD (thrombomodulin; minus strand). Cytogenetic location: 20p11.21.
Variant type: single nucleotide variant.
Coding change: c.900C>G on transcript NM_000361.3 (MANE Select); coding-DNA position 900, C replaced by G.
Protein change: p.Pro300=; no amino-acid change (proline 300 retained).
Molecular consequence: synonymous variant.
Genome position (GRCh38, 1-based): chr20:23,048,605, G>C on the plus strand (C>G on the coding strand, the complement: THBD is on the minus strand). VCF-style: chr20-23048605-G-C. GRCh37 (hg19) VCF-style: chr20-23029242-G-C.
Identifiers: ClinVar variation 4811056 (VCV004811056.1).
Genomic context (GRCh38, chr20:23,048,605, plus strand): 5'-TTGGTCGGCCGCCAGCCGGTAGCCGGTCTCGCACATGCACGAGTAGGAGCCCGGCTGGTC[G>C]GGGTTGGGAACGCAGAAGTGCTCGCAGAGGTCGTTGCAGGACTGCGTCGCGGATGCGGTG-3'
Protein context (NP_000352.1, residues 290-310): DLCEHFCVPN[Pro300=]DQPGSYSCMC